The following is an entry in ClinVar:

NM_016306.6(DNAJB11):c.226-3C>T

Gene: DNAJB11 (DnaJ heat shock protein family (Hsp40) member B11; plus strand). Cytogenetic location: 3q27.3.
Variant type: single nucleotide variant.
Coding change: c.226-3C>T on transcript NM_016306.6 (MANE Select); 3 bases into the intron before coding-DNA position 226, C replaced by T.
Molecular consequence: intron variant.
Genome position (GRCh38, 1-based): chr3:186,575,837, C>T. VCF-style: chr3-186575837-C-T. GRCh37 (hg19) VCF-style: chr3-186293626-C-T.
Other names: p.?; c.226-3C>T (NM_016306.5, NM_001378451.1).
Identifiers: ClinVar variation 1614367 (VCV001614367.13), dbSNP rs139260755, ClinGen allele CA2744451.
Genomic context (GRCh38, chr3:186,575,837, plus strand): 5'-GACTGTGCCTTAACTGGATATTACCAACTCATGATCTTTTCCTCCACTGGCTTTTATCCC[C>T]AGGTTCTGTCAGATAGTGAGAAACGGAAACAGTACGATACTTATGGTGAAGAAGGATTAA-3'

ClinVar aggregate classification (germline): Benign/Likely benign. Review status: criteria provided, multiple submitters, no conflicts (2 of 4 stars). 5 submissions from 5 submitters: Benign (3); Likely benign (1). 1 of the submissions does not count toward it. Last evaluated 2026-02-01.

Allele frequency attached by ClinVar (database versions not stated): gnomAD exomes 0.00072 and 0.00199; ExAC 0.00255; gnomAD 0.00594 and 0.00639; 1000 Genomes Project 0.00639; 1000 Genomes Project 30x 0.00656; ESP Exome Variant Server 0.00669; TOPMed 0.00683.
gnomAD v4.1: 2,009 of 1,611,382 alleles (0.12%); highest among the groups gnomAD compares: African/African-American, 2%; 18 homozygotes.

Submissions (5):

Labcorp Genetics (formerly Invitae), Labcorp
Classification: Benign. Last evaluated: 2026-02-01. Review status: criteria provided, single submitter. Criteria: Invitae Variant Classification Sherloc (09022015). Collection method: clinical testing. Allele origin: germline.

Blueprint Genetics
Classification: Likely benign. Last evaluated: 2024-11-13. Review status: criteria provided, single submitter. Criteria: ACMG Guidelines, 2015. Collection method: clinical testing. Allele origin: germline.

Mayo Clinic Laboratories, Mayo Clinic
Classification: Benign. Last evaluated: 2023-06-12. Review status: criteria provided, single submitter. Criteria: ACMG Guidelines, 2015. Collection method: clinical testing. Allele origin: germline. Observed: 3 variant alleles.
Comment: BS1, BS2, BP4, BP7

Breakthrough Genomics
Classification: Benign. Review status: criteria provided, single submitter. Criteria: ACMG Guidelines, 2015. Collection method: not provided. Allele origin: germline. Inheritance: Autosomal dominant inheritance. Affected: yes.

Genetic Services Laboratory, University of Chicago
Classification: Benign. Last evaluated: 2022-09-13. Review status: no assertion criteria provided. Collection method: clinical testing. Allele origin: germline. Affected: no. Not counted in ClinVar's aggregate classification.